The following is an entry in ClinVar:

NM_032119.4(ADGRV1):c.6490+8_6490+9insGTTCATATGGAACCAAAAAAGAGCCCGCATCGCCAAGGCAATCCTAAGCCAAAACAACAAAGCTGGAGGCATCACACTACCTGACTTCAAACTANNNNNNNNNAAAAAA

Gene: ADGRV1 (adhesion G protein-coupled receptor V1; plus strand). Cytogenetic location: 5q14.3.
Variant type: Insertion.
Coding change: c.6490+8_6490+9insGTTCATATGGAACCAAAAAAGAGCCCGCATCGCCAAGGCAATCCTAAGCCAAAACAACAAAGCTGGAGGCATCACACTACCTGACTTCAAACTANNNNNNNNNAAAAAA on transcript NM_032119.4 (MANE Select); bases 8 to 9 of the intron after coding-DNA position 6490, GTTCATATGGAACCAAAAAAGAGCCCGCATCGCCAAGGCAATCCTAAGCCAAAACAACAAAGCTGGAGGCATCACACTACCTGACTTCAAACTANNNNNNNNNAAAAAA inserted.
Molecular consequence: intron variant.
Genome position: GRCh38: chr5:90,686,003-90,686,004. GRCh37 (hg19): chr5:89,981,820-89,981,821.
Identifiers: ClinVar variation 1446763 (VCV001446763.8), dbSNP rs2149595796.

ClinVar aggregate classification (germline): Uncertain significance (1 of 4 stars; one submission).

Submission:

Labcorp Genetics (formerly Invitae), Labcorp
Classification: Uncertain significance. Last evaluated: 2019-10-18. Review status: criteria provided, single submitter. Criteria: Invitae Variant Classification Sherloc (09022015). Collection method: clinical testing. Allele origin: germline.
Comment: This variant has not been reported in the literature in individuals with ADGRV1-related conditions. Experimental studies and prediction algorithms are not available or were not evaluated, and the effect of this variant on mRNA splicing is currently unknown. In summary, the available evidence is currently insufficient to determine the role of this variant in disease. Therefore, it has been classified as a Variant of Uncertain Significance. This sequence change inserts a large fragment of DNA, likely a transposable element, in intron 29 of the ADGRV1 gene (c.6490+8_6490+9insLINE). It does not directly change the encoded amino acid sequence of the ADGRV1 protein. This variant is not present in population databases (ExAC no frequency).